The following continues an entry in ClinVar:

NM_000059.4(BRCA2):c.9502-12T>G

Gene: BRCA2. ClinVar aggregate classification (germline): Benign. Benign (1).

Submissions 14 to 21 of 21:

GeneDx
Classification: Uncertain significance. Last evaluated: 2018-11-05. Review status: criteria provided, single submitter. Criteria: GeneDx Variant Classification (06012015). Collection method: clinical testing. Allele origin: germline. Affected: yes. Not counted in ClinVar's aggregate classification.
Comment: This variant is denoted BRCA2 c.9502-12T>G or IVS25-12T>G and consists of a T>G nucleotide substitution at the -12 position of intron 25 of the BRCA2 gene. In silico analysis, which includes splice predictors and evolutionary conservation, supports a deleterious effect. While an mRNA analysis suggested this variant causes loss of the nearby splice acceptor site, leading to deletion of exon 26 and a non-functional protein (Joosse 2012), an RT-PCR mini-gene assay detected only weak effects on splicing (Acedo 2015). This variant, also denoted as 9730-12T>G using alternate nomenclature, has been observed in at least four individuals with a personal or family history of breast and/or ovarian cancer (Vehmanen 1997, Levanat 2012, Tea 2014, Wong-Brown 2015). BRCA2 c.9502-12T>G was also seen in a breast tumor, which was determined to have characteristics similar to BRCA2-associated tumors (Joosse 2012). This variant was observed at an allele frequency of 0.02% (28/126,428) in individuals of European ancestry in large population cohorts (Lek 2016). Based on currently available evidence, it is unclear whether BRCA2 c.9502-12T>G is a pathogenic or benign variant. We consider it to be a variant of uncertain significance.

Illumina Laboratory Services, Illumina
Classification: Uncertain significance for Breast-ovarian cancer, familial, susceptibility to, 2. Last evaluated: 2018-03-06. Review status: criteria provided, single submitter. Criteria: ICSL Variant Classification Criteria 13 December 2019. Collection method: clinical testing. Allele origin: germline. Not counted in ClinVar's aggregate classification.

Illumina Laboratory Services, Illumina
Classification: Uncertain significance for Fanconi anemia complementation group D1. Last evaluated: 2018-03-06. Review status: criteria provided, single submitter. Criteria: ICSL Variant Classification Criteria 13 December 2019. Collection method: clinical testing. Allele origin: germline. Not counted in ClinVar's aggregate classification.

Color Diagnostics, LLC DBA Color Health
Classification: Benign for Hereditary cancer-predisposing syndrome. Last evaluated: 2016-04-29. Review status: criteria provided, single submitter. Criteria: ACMG Guidelines, 2015. Collection method: clinical testing. Allele origin: germline. Not counted in ClinVar's aggregate classification.

PreventionGenetics, part of Exact Sciences
Classification: Likely benign for BRCA2-related condition. Last evaluated: 2023-09-28. Review status: no assertion criteria provided. Collection method: clinical testing. Allele origin: germline. Not counted in ClinVar's aggregate classification.
Comment: This variant is classified as likely benign based on ACMG/AMP sequence variant interpretation guidelines (Richards et al. 2015 PMID: 25741868, with internal and published modifications).

Department of Medical and Surgical Sciences, University of Bologna
Classification: Benign for Breast-ovarian cancer, familial, susceptibility to, 2. Last evaluated: 2023-09-01. Review status: no assertion criteria provided. Collection method: clinical testing. Allele origin: germline. Affected: yes. Not counted in ClinVar's aggregate classification.
Comment: BS1(Strong)+BP4(Supporting)+BP5(Very Strong) according to ACMG/AMP classification guidelines specified for BRCA1 & BRCA2 (Classification Criteria V1.0.0 2023-09-08) (PMID: 38160042)

Breast Cancer Information Core (BIC) (BRCA2)
Classification: Benign for Breast-ovarian cancer, familial 2. Last evaluated: 1999-06-21. Review status: no assertion criteria provided. Collection method: clinical testing. Allele origin: germline. Affected: yes. Observed: 2 variant alleles. Not counted in ClinVar's aggregate classification.

Department of Pathology and Laboratory Medicine, Sinai Health System
Classification: Uncertain significance for Breast-ovarian cancer, familial, susceptibility to, 2. Review status: no assertion criteria provided. Collection method: clinical testing. Allele origin: unknown. Affected: yes. Study: The Canadian Open Genetics Repository (COGR). Not counted in ClinVar's aggregate classification.
Comment: The BRCA2 c.9502-12T>G variant was identified in 4 of 1160 proband chromosomes (frequency: 0.0034) from individuals or families with hereditary breast and ovarian cancer (Joosse 2012, Levanat 2012, Tea 2014). The variant was also identified in dbSNP (ID: rs81002803) as â€šÃ„ÃºWith Likely benign, Uncertain significance allele,â€šÃ„Ã¹ ClinVar (as Uncertain significance by Ambry Genetics, Likely benign by Invitae and Illumina, and Benign by BIC), Clinvitae (6x), LOVD 3.0 (12x), UMD-LSDB (as likely neutral, co-occurring with a pathogenic variant BRCA2 p.Ile411AsnfsX17), and BIC Database (2x with no clinical importance). The variant was not identified in Cosmic, MutDB, ARUP Laboratories, Zhejiang Colon Cancer Database. The variant was identified in control databases in 33 of 276870 chromosomes at a frequency of 0.000119 (Genome Aggregation Consortium Feb 27, 2017). The variant was also identified by our laboratory in 10 individuals with breast cancer. The literature shows conflicting evidence regarding the pathogenicity of this variant. Based on mRNA studies, the variant has been shown to result in the loss of a splice acceptor site and deletion of exon 26 (Joosse 2012, Vehmanen 1997, Walker 2013). However, another study by Acedo (2015) showed the variant produced weak effects, with less than 15% of abnormal isoforms, thus stating the variants role in breast cancer is questionable but it might constitute a low-penetrance or disease-modifier allele. In addition, statistical analyses by Houdayer (2012) and Pruss (2014) determined that the variant had no splicing effect. The c.9502-12T>G variant is located in the 3' splice region but does not affect the invariant -1 and -2 positions. However, positions -3 and -5 to -12 are part of the splicing consensus sequence and variants involving these positions sometimes affect splicing. In addition, 1 of 4 in silico or computational prediction software programs (SpliceSiteFinder, MaxEntScan, NNSPLICE, GeneSplicer) predict a greater than 10% difference in splicing; this is not very predictive of pathogenicity. In summary, based on the above information the clinical significance of this variant cannot be determined with certainty at this time. This variant is classified as a variant of uncertain significance.

Literature cited by the submitters: PubMed 31131967 (cited by Evidence-based Network for the Interpretation of Germline Mutant Alleles (ENIGMA)); PubMed 20614180 (cited by 3 submitters); PubMed 25682074 (cited by Sema4 and Women's Health and Genetics/Laboratory Corporation of America, LabCorp); PubMed 31143303 (cited by 3 submitters); PubMed 24156927 (cited by Women's Health and Genetics/Laboratory Corporation of America, LabCorp); PubMed 22505045 (cited by Women's Health and Genetics/Laboratory Corporation of America, LabCorp and Genetics and Molecular Pathology, SA Pathology); PubMed 9150152 (cited by Women's Health and Genetics/Laboratory Corporation of America, LabCorp); PubMed 22366370 (cited by Women's Health and Genetics/Laboratory Corporation of America, LabCorp); PubMed 25382762 (cited by Women's Health and Genetics/Laboratory Corporation of America, LabCorp and Genetics and Molecular Pathology, SA Pathology); PubMed 29750258 (cited by Women's Health and Genetics/Laboratory Corporation of America, LabCorp).